The following is an entry in ClinVar:

ClinVar aggregate classification (germline): Uncertain significance (1 of 4 stars; one submission).

Conditions:
Neuroblastoma, susceptibility to, 3. Also called: ALK-Related Neuroblastic Tumor Susceptibility. Identifiers: Orphanet 635, MedGen C2751681, MONDO:0013083, OMIM 613014.

Submission:

Labcorp Genetics (formerly Invitae), Labcorp
Classification: Uncertain significance for Neuroblastoma, susceptibility to, 3. Last evaluated: 2017-09-04. Review status: criteria provided, single submitter. Criteria: Invitae Variant Classification Sherloc (09022015). Collection method: clinical testing. Allele origin: germline.
Comment: In summary, the exact genomic location of this variant is unknown and the impact of this duplication on ALK protein function has not been established. Therefore, it has been classified as a Variant of Uncertain Significance. This variant has not been reported in the literature in individuals with ALK-related disease. This variant is a gross duplication of the genomic region encompassing exons 4-29 of the ALK gene. The 5' boundary is likely confined to intron 3. The 3' end of this event is unknown as it extends beyond the assayed region for this gene and therefore may encompass additional genes. The exact location of this variant in the genome is unknown.

NC_000002.11:g.(?_29416084)_(29754988_?)dup

Genes: ALK (ALK receptor tyrosine kinase; minus strand), LOC105374389 (uncharacterized LOC105374389; minus strand), LOC122756683 (Sharpr-MPRA regulatory region 127; plus strand), LOC122756684 (Sharpr-MPRA regulatory region 9206; plus strand). Cytogenetic location: 2p23.2.
Variant type: Duplication.
Identifiers: ClinVar variation 538313 (VCV000538313.4).